The following is an entry in ClinVar:

ClinVar aggregate classification (germline): Uncertain significance. Review status: criteria provided, multiple submitters, no conflicts (2 of 4 stars). 2 submissions from 2 submitters: Uncertain significance (2). Last evaluated 2026-04-01.

Allele frequency attached by ClinVar (database versions not stated): gnomAD exomes below 0.00001 and 0.00001.
gnomAD v4.1: 3 of 1,613,858 alleles (0.00019%); highest among the groups gnomAD compares: Admixed American, 0.005%; no homozygotes.

Submissions (2):

CeGaT Center for Human Genetics Tuebingen
Classification: Uncertain significance. Last evaluated: 2026-04-01. Review status: criteria provided, single submitter. Criteria: CeGaT Center For Human Genetics Tuebingen Variant Classification Criteria Version 2. Collection method: clinical testing. Allele origin: germline. Affected: yes. Observed: 1 variant allele.

Labcorp Genetics (formerly Invitae), Labcorp
Classification: Uncertain significance. Last evaluated: 2025-12-01. Review status: criteria provided, single submitter. Criteria: Invitae Variant Classification Sherloc (09022015). Collection method: clinical testing. Allele origin: germline.
Comment: This sequence change replaces threonine, which is neutral and polar, with alanine, which is neutral and non-polar, at codon 717 of the CTR9 protein (p.Thr717Ala). This variant is present in population databases (no rsID available, gnomAD 0.006%). This variant has not been reported in the literature in individuals affected with CTR9-related conditions. ClinVar contains an entry for this variant (Variation ID: 1385800). An algorithm developed to predict the effect of missense changes on protein structure and function (PolyPhen-2) suggests that this variant is likely to be tolerated. In summary, the available evidence is currently insufficient to determine the role of this variant in disease. Therefore, it has been classified as a Variant of Uncertain Significance.

NM_014633.5(CTR9):c.2149A>G (p.Thr717Ala)

Gene: CTR9 (CTR9 component of Paf1/RNA polymerase II complex; plus strand). Cytogenetic location: 11p15.4.
Variant type: single nucleotide variant.
Coding change: c.2149A>G on transcript NM_014633.5 (MANE Select); coding-DNA position 2149, A replaced by G.
Protein change: p.Thr717Ala; replaces threonine 717 with alanine.
Molecular consequence: missense variant.
Genome position (GRCh38, 1-based): chr11:10,770,249, A>G. VCF-style: chr11-10770249-A-G. GRCh37 (hg19) VCF-style: chr11-10791796-A-G.
Other names: c.2149A>G, p.Thr717Ala (NM_001346279.2); short protein forms T717A.
Identifiers: ClinVar variation 1385800 (VCV001385800.8), dbSNP rs1428146590, ClinGen allele CA379674509.